The following is an entry in ClinVar:

NM_020461.4(TUBGCP6):c.2629G>A (p.Gly877Ser)

Gene: TUBGCP6 (tubulin gamma complex component 6; minus strand). Cytogenetic location: 22q13.33.
Variant type: single nucleotide variant.
Coding change: c.2629G>A on transcript NM_020461.4 (MANE Select); coding-DNA position 2629, G replaced by A.
Protein change: p.Gly877Ser; replaces glycine 877 with serine.
Molecular consequence: missense variant.
Genome position (GRCh38, 1-based): chr22:50,221,730, C>T on the plus strand (G>A on the coding strand, the complement: TUBGCP6 is on the minus strand). VCF-style: chr22-50221730-C-T. GRCh37 (hg19) VCF-style: chr22-50660159-C-T.
Other names: short protein forms G877S.
Identifiers: ClinVar variation 1934165 (VCV001934165.5), dbSNP rs1251326530, ClinGen allele CA412097020.

ClinVar aggregate classification (germline): Uncertain significance (1 of 4 stars; one submission).

Allele frequency attached by ClinVar (database versions not stated): gnomAD 0.00001.

Submission:

Labcorp Genetics (formerly Invitae), Labcorp
Classification: Uncertain significance. Last evaluated: 2022-08-23. Review status: criteria provided, single submitter. Criteria: Invitae Variant Classification Sherloc (09022015). Collection method: clinical testing. Allele origin: germline.
Comment: Algorithms developed to predict the effect of missense changes on protein structure and function (SIFT, PolyPhen-2, Align-GVGD) all suggest that this variant is likely to be tolerated. This variant has not been reported in the literature in individuals affected with TUBGCP6-related conditions. This variant is present in population databases (no rsID available, gnomAD 0.01%). This sequence change replaces glycine, which is neutral and non-polar, with serine, which is neutral and polar, at codon 877 of the TUBGCP6 protein (p.Gly877Ser). In summary, the available evidence is currently insufficient to determine the role of this variant in disease. Therefore, it has been classified as a Variant of Uncertain Significance.